The following is an entry in ClinVar:

ClinVar aggregate classification (germline): Likely benign (1 of 4 stars; one submission).

Conditions:
Leigh syndrome (NULS). Also called: Leigh's necrotizing encephalopathy; Leigh's disease; Leigh Syndrome (mtDNA deletion); Leigh Disease; Subacute necrotizing encephalopathy; Necrotizing encephalopathy infantile subacute of Leigh. Identifiers: Orphanet 506, MedGen C2931891, MONDO:0009723, OMIM 256000.

Submission:

Wong Mito Lab, Molecular and Human Genetics, Baylor College of Medicine
Classification: Likely benign for Leigh syndrome. Last evaluated: 2019-10-17. Review status: criteria provided, single submitter. Criteria: Modified ACMG Guidelines (Unpublished). Collection method: clinical testing. Allele origin: germline.
Comment: The NC_012920.1:m.4842A>G (YP_003024027.1:p.Thr125Ala) variant in MTND2 gene is interpretated to be a Likely Benign variant based on the modified ACMG guidelines (unpublished). This variant meets the following evidence codes: BP4, BP5

NC_012920.1(MT-ND2):m.4842A>G

Gene: MT-ND2 (mitochondrially encoded NADH dehydrogenase 2; plus strand).
Variant type: single nucleotide variant.
Genome position: chrM-4842-A-G.
Identifiers: ClinVar variation 692512 (VCV000692512.1), dbSNP rs1603219643, ClinGen allele CA414776037.
Genomic context (GRCh38, chrMT:4,842, plus strand): 5'-AAACTAGGAATAGCCCCCTTTCACTTCTGAGTCCCAGAGGTTACCCAAGGCACCCCTCTG[A>G]CATCCGGCCTGCTTCTTCTCACATGACAAAAACTAGCCCCCATCTCAATCATATACCAAA-3'